The following is an entry in ClinVar:

ClinVar aggregate classification (germline): Uncertain significance. Review status: criteria provided, multiple submitters, no conflicts (2 of 4 stars). 2 submissions from 2 submitters: Uncertain significance (2). Last evaluated 2023-11-02.

Conditions:
Familial adenomatous polyposis 1 (FAP1). Also called: FAMILIAL ADENOMATOUS POLYPOSIS 1, ATTENUATED; POLYPOSIS, ADENOMATOUS INTESTINAL. Identifiers: MedGen C2713442, MONDO:0021056, OMIM 175100. Disease mechanism: loss of function.
Hereditary cancer-predisposing syndrome. Also called: Hereditary neoplastic syndrome; Tumor predisposition; Hereditary Cancer Syndrome; Neoplastic Syndromes, Hereditary. Identifiers: Orphanet 140162, MedGen C0027672, MeSH D009386, MONDO:0015356.

Submissions (2):

Baylor Genetics
Classification: Uncertain significance for Familial adenomatous polyposis 1. Last evaluated: 2023-11-02. Review status: criteria provided, single submitter. Criteria: ACMG Guidelines, 2015. Collection method: clinical testing. Allele origin: unknown.

Ambry Genetics
Classification: Uncertain significance for Hereditary cancer-predisposing syndrome. Last evaluated: 2023-06-23. Review status: criteria provided, single submitter. Criteria: Ambry Variant Classification Scheme 2023. Collection method: clinical testing. Allele origin: germline.
Comment: The p.S1391C variant (also known as c.4171A>T), located in coding exon 15 of the APC gene, results from an A to T substitution at nucleotide position 4171. The serine at codon 1391 is replaced by cysteine, an amino acid with dissimilar properties. This amino acid position is conserved. In addition, in silico predictors for this gene do not accurately predict pathogenicity. Since supporting evidence is limited at this time, the clinical significance of this alteration remains unclear.

NM_000038.6(APC):c.4171A>T (p.Ser1391Cys)

Gene: APC (APC regulator of Wnt signaling pathway; plus strand). Cytogenetic location: 5q22.2.
Variant type: single nucleotide variant.
Coding change: c.4171A>T on transcript NM_000038.6 (MANE Select); coding-DNA position 4171, A replaced by T.
Protein change: p.Ser1391Cys; replaces serine 1391 with cysteine.
Molecular consequence: missense variant. On other transcripts: non-coding transcript variant (2).
Genome position (GRCh38, 1-based): chr5:112,839,765, A>T. VCF-style: chr5-112839765-A-T. GRCh37 (hg19) VCF-style: chr5-112175462-A-T.
Other names: c.4171A>T, p.Ser1391Cys (NM_001127510.3, NM_001354895.2, NM_001407450.1); c.4117A>T, p.Ser1373Cys (NM_001127511.3); c.4225A>T, p.Ser1409Cys (NM_001354896.2, NM_001407447.1, NM_001407448.1 and 1 more transcripts); c.4201A>T, p.Ser1401Cys (NM_001354897.2); c.4096A>T, p.Ser1366Cys (NM_001354898.2); c.4087A>T, p.Ser1363Cys (NM_001354899.2); c.4048A>T, p.Ser1350Cys (NM_001354900.2); c.3994A>T, p.Ser1332Cys (NM_001354901.2, NM_001407453.1); and 11 more; short protein forms S1262C, S1300C, S1350C, S1363C, S1373C, S1384C, S1007C, S1231C.
Identifiers: ClinVar variation 2586979 (VCV002586979.3), dbSNP rs587781885, ClinGen allele CA16030470.